The following is an entry in ClinVar:

ClinVar aggregate classification (germline): Uncertain significance (1 of 4 stars; one submission).

Conditions:
Hereditary cancer-predisposing syndrome. Also called: Neoplastic Syndromes, Hereditary; Tumor predisposition; Hereditary Cancer Syndrome; Hereditary neoplastic syndrome. Identifiers: Orphanet 140162, MedGen C0027672, MeSH D009386, MONDO:0015356.

Submission:

Ambry Genetics
Classification: Uncertain significance for Hereditary cancer-predisposing syndrome. Last evaluated: 2024-11-30. Review status: criteria provided, single submitter. Criteria: Ambry Variant Classification Scheme 2023. Collection method: clinical testing. Allele origin: germline.
Comment: The p.R1579P variant (also known as c.4736G>C), located in coding exon 37 of the POLE gene, results from a G to C substitution at nucleotide position 4736. The arginine at codon 1579 is replaced by proline, an amino acid with dissimilar properties. This amino acid position is conserved. In addition, the in silico prediction for this alteration is inconclusive. Based on the available evidence, the clinical significance of this variant remains unclear.

NM_006231.4(POLE):c.4736G>C (p.Arg1579Pro)

Gene: POLE (DNA polymerase epsilon, catalytic subunit; minus strand). Cytogenetic location: 12q24.33.
Variant type: single nucleotide variant.
Coding change: c.4736G>C on transcript NM_006231.4 (MANE Select); coding-DNA position 4736, G replaced by C.
Protein change: p.Arg1579Pro; replaces arginine 1579 with proline.
Molecular consequence: missense variant.
Genome position (GRCh38, 1-based): chr12:132,642,722, C>G on the plus strand (G>C on the coding strand, the complement: POLE is on the minus strand). VCF-style: chr12-132642722-C-G. GRCh37 (hg19) VCF-style: chr12-133219308-C-G.
Other names: short protein forms R1579P.
Identifiers: ClinVar variation 3422233 (VCV003422233.1).